The following is an entry in ClinVar:

ClinVar aggregate classification (germline): Likely pathogenic. Review status: criteria provided, single submitter (1 of 4 stars). 2 submissions from 2 submitters: Likely pathogenic (1). 1 of the submissions does not count toward it. Last evaluated 2019-05-31.

Conditions:
Junctional epidermolysis bullosa gravis of Herlitz. Also called: EPIDERMOLYSIS BULLOSA, JUNCTIONAL 1B, SEVERE; Epidermolysis Bullosa Letalis; EPIDERMOLYSIS BULLOSA JUNCTIONALIS, HERLITZ TYPE; EPIDERMOLYSIS BULLOSA, JUNCTIONAL, HERLITZ-PEARSON TYPE; JEB-HERLITZ TYPE; Herlitz-type junctional epidermolysis bullosa. Identifiers: Orphanet 79404, MedGen C0079683, MONDO:0009182, OMIM 226700.

Allele frequency attached by ClinVar (database versions not stated): TOPMed below 0.00001; gnomAD 0.00001.

Submissions (2):

Labcorp Genetics (formerly Invitae), Labcorp
Classification: Likely pathogenic. Last evaluated: 2019-05-31. Review status: criteria provided, single submitter. Criteria: Invitae Variant Classification Sherloc (09022015). Collection method: clinical testing. Allele origin: germline.
Comment: In summary, the currently available evidence indicates that the variant is pathogenic, but additional data are needed to prove that conclusively. Therefore, this variant has been classified as Likely Pathogenic. Donor and acceptor splice site variants typically lead to a loss of protein function (PMID: 16199547), and loss-of-function variants in LAMA3 are known to be pathogenic (PMID: 10366601, 11810295, 12915477, 16473856, 17362460, 23869449, 28087116). Algorithms developed to predict the effect of sequence changes on RNA splicing suggest that this variant may disrupt the consensus splice site, but this prediction has not been confirmed by published transcriptional studies. This variant has not been reported in the literature in individuals with LAMA3-related conditions. ClinVar contains an entry for this variant (Variation ID: 550546). This variant is not present in population databases (ExAC no frequency). This sequence change affects a donor splice site in intron 26 of the LAMA3 gene. It is expected to disrupt RNA splicing and likely results in an absent or disrupted protein product.

Counsyl
Classification: Likely pathogenic for Junctional epidermolysis bullosa gravis of Herlitz. Last evaluated: 2017-02-14. Review status: no assertion criteria provided. Collection method: clinical testing. Allele origin: unknown. Not counted in ClinVar's aggregate classification.

Literature cited by the submitters: PubMed 16199547 (cited by Labcorp Genetics (formerly Invitae), Labcorp); PubMed 10366601 (cited by Labcorp Genetics (formerly Invitae), Labcorp); PubMed 11810295 (cited by Labcorp Genetics (formerly Invitae), Labcorp); PubMed 12915477 (cited by Labcorp Genetics (formerly Invitae), Labcorp); PubMed 16473856 (cited by Labcorp Genetics (formerly Invitae), Labcorp); PubMed 17362460 (cited by Labcorp Genetics (formerly Invitae), Labcorp); PubMed 23869449 (cited by Labcorp Genetics (formerly Invitae), Labcorp); PubMed 28087116 (cited by Labcorp Genetics (formerly Invitae), Labcorp).

NM_198129.4(LAMA3):c.8295+2T>C

Gene: LAMA3 (laminin subunit alpha 3; plus strand). Cytogenetic location: 18q11.2.
Variant type: single nucleotide variant.
Coding change: c.8295+2T>C on transcript NM_198129.4 (MANE Select); the canonical splice donor site of the intron after coding-DNA position 8295, T replaced by C.
Molecular consequence: splice donor variant.
Genome position (GRCh38, 1-based): chr18:23,928,242, T>C. VCF-style: chr18-23928242-T-C. GRCh37 (hg19) VCF-style: chr18-21508206-T-C.
Other names: c.8127+2T>C (NM_001127717.4); c.3468+2T>C (NM_000227.6); c.3300+2T>C (NM_001127718.4).
Identifiers: ClinVar variation 550546 (VCV000550546.10), dbSNP rs1555743457, ClinGen allele CA402063535.